The following is an entry in ClinVar:

ClinVar aggregate classification (germline): Likely benign. Review status: reviewed by expert panel (3 of 4 stars). 7 submissions from 7 submitters: Likely benign (1). 6 of the submissions do not count toward it. Last evaluated 2017-05-09.

Conditions:
MAP2K2-related disorder. Also called: MAP2K2-related condition.
Cardiofaciocutaneous syndrome 4 (CFC4). Also called: MAP2K2-Related Cardiofaciocutaneous Syndrome. Identifiers: Orphanet 1340, MedGen C3809007, MONDO:0014114, OMIM 615280.
RASopathy. Also called: rasopathies; Noonan spectrum disorder. Identifiers: Orphanet 536391, MedGen C5555857, MONDO:0021060.

Allele frequency attached by ClinVar (database versions not stated): ExAC 0.00008; gnomAD exomes 0.00008 and 0.00003; 1000 Genomes Project 0.00020; gnomAD 0.00003; TOPMed 0.00007.
gnomAD v4.1: 51 of 1,607,610 alleles (0.0032%); highest among the groups gnomAD compares: Admixed American, 0.029%; no homozygotes.

Submissions (7):

ClinGen RASopathy Variant Curation Expert Panel
Classification: Likely benign for Noonan syndrome and Noonan-related syndrome. Last evaluated: 2017-05-09. Review status: reviewed by expert panel. Criteria: ClinGen RASopathy ACMG Specifications v1. Collection method: curation. Allele origin: germline. Inheritance: Autosomal dominant inheritance.
Comment: The filtering allele frequency of the c.818A>G (p.Lys273Arg) variant in the MAP2K2 gene is 0.0368% (6/7088) of Latino chromosomes by the Exome Aggregation Consortium, which is a high enough frequency to be classified as likely benign based on thresholds defined by the ClinGen RASopathy Expert Panel (BS1; PMID:29493581)

Labcorp Genetics (formerly Invitae), Labcorp
Classification: Likely benign for RASopathy. Last evaluated: 2026-01-24. Review status: criteria provided, single submitter. Criteria: Invitae Variant Classification Sherloc (09022015). Collection method: clinical testing. Allele origin: germline. Not counted in ClinVar's aggregate classification.

Blueprint Genetics
Classification: Likely benign. Last evaluated: 2023-03-29. Review status: criteria provided, single submitter. Criteria: ACMG Guidelines, 2015. Collection method: clinical testing. Allele origin: germline. Not counted in ClinVar's aggregate classification.

Mendelics
Classification: Likely benign for Cardiofaciocutaneous syndrome 4. Last evaluated: 2019-05-28. Review status: criteria provided, single submitter. Criteria: Mendelics Assertion Criteria 2017. Collection method: clinical testing. Allele origin: unknown. Not counted in ClinVar's aggregate classification.

GeneDx
Classification: Likely benign. Last evaluated: 2019-04-02. Review status: criteria provided, single submitter. Criteria: GeneDx Variant Classification Process June 2021. Collection method: clinical testing. Allele origin: germline. Affected: yes. Not counted in ClinVar's aggregate classification.
Comment: Observed in an individual in published literature with a clinical diagnosis of cardiofaciocutaneous syndrome, but parental studies for the variant were not performed (Narumi et al., 2007).; In silico analysis, which includes protein predictors and evolutionary conservation, supports that this variant does not alter protein structure/function; The majority of missense variants in this gene are considered pathogenic (Stenson et al., 2014); This variant is associated with the following publications: (PMID: 24803665, 18470943, 17366577)

Women's Health and Genetics/Laboratory Corporation of America, LabCorp
Classification: Likely benign. Last evaluated: 2018-04-02. Review status: criteria provided, single submitter. Criteria: LabCorp Variant Classification Summary - May 2015. Collection method: clinical testing. Allele origin: germline. Not counted in ClinVar's aggregate classification.
Comment: Variant summary: MAP2K2 c.818A>G (p.Lys273Arg) results in a conservative amino acid change in the encoded protein sequence. Four of five in-silico tools predict a benign effect of the variant on protein function. The variant allele was found at a frequency of 6.8e-05 in 263682 control chromosomes (gnomAD). The observed variant frequency is approximately 27-fold above the estimated maximal expected allele frequency for a pathogenic variant in MAP2K2 causing Noonan Syndrome and Related Conditions phenotype (2.5e-06). In addition, the variant is most prevalent in the Latino subpopulation in gnomAD (3.3e-04), which is approximately 132-fold above the maximal expected allele frequency, strongly suggesting that the variant is benign. The c.818A>G has been reported in the literature in one individual affected with Cardiofaciocutaneous Syndrome. These data do not allow any conclusion about variant significance. At least one publication reports experimental evidence evaluating an impact on protein function, where studies in zebrafish development showed a phenotype, different from wt, in approximately 2/3rds of K273R embryos analyzed (Anastasaki_2009). Two clinical diagnostic laboratories have submitted clinical-significance assessments for this variant to ClinVar after 2014 without evidence for independent evaluation. One laboratory classified the variant as likely benign, and one laboratory classified the variant as uncertain significance. Based on the evidence outlined above, the variant was classified as likely benign.

PreventionGenetics, part of Exact Sciences
Classification: Likely benign for MAP2K2-related condition. Last evaluated: 2020-04-20. Review status: no assertion criteria provided. Collection method: clinical testing. Allele origin: germline. Not counted in ClinVar's aggregate classification.
Comment: This variant is classified as likely benign based on ACMG/AMP sequence variant interpretation guidelines (Richards et al. 2015 PMID: 25741868, with internal and published modifications).

Literature cited by the submitters: PubMed 24803665 (cited by Women's Health and Genetics/Laboratory Corporation of America, LabCorp); PubMed 19376813 (cited by Women's Health and Genetics/Laboratory Corporation of America, LabCorp); PubMed 17366577 (cited by Women's Health and Genetics/Laboratory Corporation of America, LabCorp); PubMed 19156172 (cited by Women's Health and Genetics/Laboratory Corporation of America, LabCorp); PubMed 18413255 (cited by Women's Health and Genetics/Laboratory Corporation of America, LabCorp).

NM_030662.4(MAP2K2):c.818A>G (p.Lys273Arg)

Gene: MAP2K2 (mitogen-activated protein kinase kinase 2; minus strand). Cytogenetic location: 19p13.3.
Variant type: single nucleotide variant.
Coding change: c.818A>G on transcript NM_030662.4 (MANE Select); coding-DNA position 818, A replaced by G.
Protein change: p.Lys273Arg; replaces lysine 273 with arginine.
Molecular consequence: missense variant.
Genome position (GRCh38, 1-based): chr19:4,099,302, T>C on the plus strand (A>G on the coding strand, the complement: MAP2K2 is on the minus strand). VCF-style: chr19-4099302-T-C. GRCh37 (hg19) VCF-style: chr19-4099300-T-C.
Other names: p.K273R:AAA>AGA; NM_030662.3(MAP2K2):c.818A>G; short protein forms K273R.
Identifiers: ClinVar variation 40824 (VCV000040824.18), dbSNP rs539555837, ClinGen allele CA296139.